The following is an entry in ClinVar:

NM_000051.4(ATM):c.971G>A (p.Ser324Asn)

Gene: ATM (ATM serine/threonine kinase; plus strand). Cytogenetic location: 11q22.3.
Variant type: single nucleotide variant.
Coding change: c.971G>A on transcript NM_000051.4 (MANE Select); coding-DNA position 971, G replaced by A.
Protein change: p.Ser324Asn; replaces serine 324 with asparagine.
Molecular consequence: missense variant.
Genome position (GRCh38, 1-based): chr11:108,247,033, G>A. VCF-style: chr11-108247033-G-A. GRCh37 (hg19) VCF-style: chr11-108117760-G-A.
Other names: c.971G>A, p.Ser324Asn (NM_001351834.2); c.971G>A (NM_000051.3); short protein forms S324N.
Identifiers: ClinVar variation 1494746 (VCV001494746.11), dbSNP rs1355502804, ClinGen allele CA382531056.

ClinVar aggregate classification (germline): Uncertain significance. Review status: criteria provided, multiple submitters, no conflicts (2 of 4 stars). 4 submissions from 4 submitters: Uncertain significance (3). 1 of the submissions does not count toward it. Last evaluated 2025-12-22.

Conditions:
Hereditary cancer-predisposing syndrome. Also called: Neoplastic Syndromes, Hereditary; Tumor predisposition; Hereditary Cancer Syndrome; Hereditary neoplastic syndrome. Identifiers: Orphanet 140162, MedGen C0027672, MeSH D009386, MONDO:0015356.
Ataxia-telangiectasia syndrome (AT). Also called: AT, COMPLEMENTATION GROUP C; ATAXIA-TELANGIECTASIA, COMPLEMENTATION GROUP A; ATAXIA-TELANGIECTASIA, FRESNO VARIANT; Ataxia-telangiectasia; Ataxia-telangiectasia, complementation group D; Ataxia-telangiectasia, complementation group E. Identifiers: Orphanet 100, MedGen C0004135, MONDO:0008840, OMIM 208900.

Allele frequency attached by ClinVar (database versions not stated): gnomAD exomes below 0.00001; TOPMed below 0.00001.
gnomAD v4.1: 2 of 1,613,424 alleles (0.00012%); highest among the groups gnomAD compares: Non-Finnish European, 0.00017%; no homozygotes.

Submissions (4):

Ambry Genetics
Classification: Uncertain significance for Hereditary cancer-predisposing syndrome. Last evaluated: 2025-12-22. Review status: criteria provided, single submitter. Criteria: Ambry Variant Classification Scheme 2023. Collection method: clinical testing. Allele origin: germline.
Comment: The p.S324N variant (also known as c.971G>A), located in coding exon 7 of the ATM gene, results from a G to A substitution at nucleotide position 971. The serine at codon 324 is replaced by asparagine, an amino acid with highly similar properties. This amino acid position is conserved. In addition, this alteration is predicted to be tolerated by in silico analysis. Based on the available evidence, the clinical significance of this variant remains unclear.

Color Diagnostics, LLC DBA Color Health
Classification: Uncertain significance for Hereditary cancer-predisposing syndrome. Last evaluated: 2024-03-18. Review status: criteria provided, single submitter. Criteria: ACMG Guidelines, 2015. Collection method: clinical testing. Allele origin: germline.
Comment: This missense variant replaces serine with asparagine at codon 324 of the ATM protein. Computational prediction suggests that this variant may not impact protein structure and function (internally defined REVEL score threshold <= 0.5, PMID: 27666373). To our knowledge, functional studies have not been reported for this variant. This variant has not been reported in individuals affected with ATM-related disorders in the literature. This variant has been identified in 1/251074 chromosomes in the general population by the Genome Aggregation Database (gnomAD). The available evidence is insufficient to determine the role of this variant in disease conclusively. Therefore, this variant is classified as a Variant of Uncertain Significance.

Labcorp Genetics (formerly Invitae), Labcorp
Classification: Uncertain significance for Ataxia-telangiectasia syndrome. Last evaluated: 2021-12-26. Review status: criteria provided, single submitter. Criteria: Invitae Variant Classification Sherloc (09022015). Collection method: clinical testing. Allele origin: germline.
Comment: This sequence change replaces serine, which is neutral and polar, with asparagine, which is neutral and polar, at codon 324 of the ATM protein (p.Ser324Asn). This variant is present in population databases (no rsID available, gnomAD 0.0009%). This variant has not been reported in the literature in individuals affected with ATM-related conditions. Advanced modeling of protein sequence and biophysical properties (such as structural, functional, and spatial information, amino acid conservation, physicochemical variation, residue mobility, and thermodynamic stability) performed at Invitae indicates that this missense variant is not expected to disrupt ATM protein function. In summary, the available evidence is currently insufficient to determine the role of this variant in disease. Therefore, it has been classified as a Variant of Uncertain Significance.

Natera, Inc.
Classification: Uncertain significance for Ataxia-telangiectasia. Last evaluated: 2025-01-20. Review status: no assertion criteria provided. Collection method: clinical testing. Allele origin: germline. Not counted in ClinVar's aggregate classification.